The following is an entry in ClinVar:

NM_002470.4(MYH3):c.4672A>G (p.Lys1558Glu)

Gene: MYH3 (myosin heavy chain 3; minus strand). Cytogenetic location: 17p13.1.
Variant type: single nucleotide variant.
Coding change: c.4672A>G on transcript NM_002470.4 (MANE Select); coding-DNA position 4672, A replaced by G.
Protein change: p.Lys1558Glu; replaces lysine 1558 with glutamic acid.
Molecular consequence: missense variant.
Genome position (GRCh38, 1-based): chr17:10,632,760, T>C on the plus strand (A>G on the coding strand, the complement: MYH3 is on the minus strand). VCF-style: chr17-10632760-T-C. GRCh37 (hg19) VCF-style: chr17-10536077-T-C.
Other names: short protein forms K1558E.
Identifiers: ClinVar variation 4767686 (VCV004767686.1).
Genomic context (GRCh38, chr17:10,632,760, plus strand): 5'-CGATCTTTCTATCAATTTCTGATTTCACTTGTGTCAATTCAAGCTGGATTCGGAGGATCT[T>C]GGCTTCTTCATGCTCAAGAGCAGCCTTTAAGAAACAAAAGCAAATCAAATAGTGTCTGTG-3'
Protein context (NP_002461.2, residues 1548-1568): AEAALEHEEA[Lys1558Glu]ILRIQLELTQ

ClinVar aggregate classification (germline): Uncertain significance (1 of 4 stars; one submission).

Submission:

Labcorp Genetics (formerly Invitae), Labcorp
Classification: Uncertain significance. Last evaluated: 2025-09-04. Review status: criteria provided, single submitter. Criteria: Invitae Variant Classification Sherloc (09022015). Collection method: clinical testing. Allele origin: germline.
Comment: This sequence change replaces lysine, which is basic and polar, with glutamic acid, which is acidic and polar, at codon 1558 of the MYH3 protein (p.Lys1558Glu). This variant is not present in population databases (gnomAD no frequency). This variant has not been reported in the literature in individuals affected with MYH3-related conditions. Invitae Evidence Modeling of protein sequence and biophysical properties (such as structural, functional, and spatial information, amino acid conservation, physicochemical variation, residue mobility, and thermodynamic stability) indicates that this missense variant is not expected to disrupt MYH3 protein function with a negative predictive value of 95%. In summary, the available evidence is currently insufficient to determine the role of this variant in disease. Therefore, it has been classified as a Variant of Uncertain Significance.